The following is an entry in ClinVar:

NM_004523.4(KIF11):c.2747A>G (p.Asp916Gly)

Gene: KIF11 (kinesin family member 11; plus strand). Cytogenetic location: 10q23.33.
Variant type: single nucleotide variant.
Coding change: c.2747A>G on transcript NM_004523.4 (MANE Select); coding-DNA position 2747, A replaced by G.
Protein change: p.Asp916Gly; replaces aspartic acid 916 with glycine.
Molecular consequence: missense variant.
Genome position (GRCh38, 1-based): chr10:92,648,411, A>G. VCF-style: chr10-92648411-A-G. GRCh37 (hg19) VCF-style: chr10-94408168-A-G.
Other names: short protein forms D916G.
Identifiers: ClinVar variation 1479082 (VCV001479082.6), dbSNP rs1844944241, ClinGen allele CA377805781.

ClinVar aggregate classification (germline): Uncertain significance (1 of 4 stars; one submission).

Allele frequency attached by ClinVar (database versions not stated): gnomAD exomes below 0.00001; TOPMed below 0.00001.
gnomAD v4.1: 1 of 1,603,014 alleles (0.000062%); highest among the groups gnomAD compares: East Asian, 0.0022%; no homozygotes.

Submission:

Labcorp Genetics (formerly Invitae), Labcorp
Classification: Uncertain significance. Last evaluated: 2022-09-06. Review status: criteria provided, single submitter. Criteria: Invitae Variant Classification Sherloc (09022015). Collection method: clinical testing. Allele origin: germline.
Comment: In summary, the available evidence is currently insufficient to determine the role of this variant in disease. Therefore, it has been classified as a Variant of Uncertain Significance. Algorithms developed to predict the effect of missense changes on protein structure and function are either unavailable or do not agree on the potential impact of this missense change (SIFT: "Deleterious"; PolyPhen-2: "Probably Damaging"; Align-GVGD: "Class C0"). ClinVar contains an entry for this variant (Variation ID: 1479082). This missense change has been observed in individual(s) with congenital stationary night blindness and glaucoma. (PMID: 26472404). This variant is not present in population databases (gnomAD no frequency). This sequence change replaces aspartic acid, which is acidic and polar, with glycine, which is neutral and non-polar, at codon 916 of the KIF11 protein (p.Asp916Gly).

Literature cited by the submitters: PubMed 26472404.